The following is an entry in ClinVar:

NM_000089.4(COL1A2):c.2933G>A (p.Arg978His)

Gene: COL1A2 (collagen type I alpha 2 chain; plus strand). Cytogenetic location: 7q21.3.
Variant type: single nucleotide variant.
Coding change: c.2933G>A on transcript NM_000089.4 (MANE Select); coding-DNA position 2933, G replaced by A.
Protein change: p.Arg978His; replaces arginine 978 with histidine.
Molecular consequence: missense variant.
Genome position (GRCh38, 1-based): chr7:94,425,847, G>A. VCF-style: chr7-94425847-G-A. GRCh37 (hg19) VCF-style: chr7-94055159-G-A.
Other names: short protein forms R978H.
Identifiers: ClinVar variation 958335 (VCV000958335.21), dbSNP rs559605075, ClinGen allele CA4347604.

ClinVar aggregate classification (germline): Uncertain significance. Review status: criteria provided, multiple submitters, no conflicts (2 of 4 stars). 4 submissions from 4 submitters: Uncertain significance (4). Last evaluated 2026-02-01.

Conditions:
Osteogenesis imperfecta type I (OI1). Also called: Lobstein's Disease; OI, TYPE I; OSTEOGENESIS IMPERFECTA TARDA; OSTEOGENESIS IMPERFECTA WITH BLUE SCLERAE; Osteogenesis imperfecta type 1; Lobstein disease. Identifiers: Orphanet 216796, Orphanet 666, MedGen C0023931, MONDO:0008146, OMIM 166200. Disease mechanism: loss of function.
Ehlers-Danlos syndrome, classic type, 1 (EDSCL1). Also called: Ehlers-Danlos syndrome, type 1; EHLERS-DANLOS SYNDROME, GRAVIS TYPE; EHLERS-DANLOS SYNDROME, SEVERE CLASSIC TYPE; EDS I; Ehlers-Danlos Syndrome, Classic Type, COL5A1-Related. Identifiers: MedGen C0268335, MONDO:0019567, OMIM 130000.

Allele frequency attached by ClinVar (database versions not stated): gnomAD 0.00002 and 0.00005; ExAC 0.00010; TOPMed 0.00003; 1000 Genomes Project 30x 0.00047; gnomAD exomes 0.00002 and 0.00005; 1000 Genomes Project 0.00040.
gnomAD v4.1: 39 of 1,610,528 alleles (0.0024%); highest among the groups gnomAD compares: South Asian, 0.0066%; no homozygotes.

Submissions (4):

Labcorp Genetics (formerly Invitae), Labcorp
Classification: Uncertain significance for Osteogenesis imperfecta type I; Ehlers-Danlos syndrome, classic type, 1. Last evaluated: 2026-02-01. Review status: criteria provided, single submitter. Criteria: Invitae Variant Classification Sherloc (09022015). Collection method: clinical testing. Allele origin: germline.
Comment: This sequence change replaces arginine, which is basic and polar, with histidine, which is basic and polar, at codon 978 of the COL1A2 protein (p.Arg978His). This variant is present in population databases (rs559605075, gnomAD 0.02%). This missense change has been observed in individual(s) with osteogenesis imperfecta (PMID: 29807018, 37076969). ClinVar contains an entry for this variant (Variation ID: 958335). Invitae Evidence Modeling of protein sequence and biophysical properties (such as structural, functional, and spatial information, amino acid conservation, physicochemical variation, residue mobility, and thermodynamic stability) indicates that this missense variant is expected to disrupt COL1A2 protein function with a positive predictive value of 80%. In summary, the available evidence is currently insufficient to determine the role of this variant in disease. Therefore, it has been classified as a Variant of Uncertain Significance.

Women's Health and Genetics/Laboratory Corporation of America, LabCorp
Classification: Uncertain significance. Last evaluated: 2026-01-13. Review status: criteria provided, single submitter. Criteria: LabCorp Variant Classification Summary - May 2015. Collection method: clinical testing. Allele origin: germline.
Comment: Variant summary: COL1A2 c.2933G>A (p.Arg978His) results in a non-conservative amino acid change in the encoded protein sequence. Algorithms developed to predict the effect of missense changes on protein structure and function all suggest that this variant is likely to be disruptive. The variant allele was found at a frequency of 5e-05 in 242154 control chromosomes. The observed variant frequency is approximately 1.76 fold of the estimated maximal expected allele frequency for a pathogenic variant in COL1A2 causing Osteogenesis Imperfecta phenotype (2.8e-05). c.2933G>A has been reported in the literature in individuals with Osteogenesis Imperfecta Type IV and suspicious of Osteogenesis imperfecta, one of whom carried a second allele more likely to explain the patient's phenotype and a second individual who carried only the variant of interest (example: Mohd Nawawi_2018, Zhou_2023). To our knowledge, no experimental evidence demonstrating an impact on protein function has been reported. The following publications have been ascertained in the context of this evaluation (PMID: 29807018, 37076969). ClinVar contains an entry for this variant (Variation ID: 958335). Based on the evidence outlined above, the variant was classified as VUS-possibly benign.

GeneDx
Classification: Uncertain significance. Last evaluated: 2023-07-06. Review status: criteria provided, single submitter. Criteria: GeneDx Variant Classification Process June 2021. Collection method: clinical testing. Allele origin: germline. Affected: yes.
Comment: In silico analysis supports that this missense variant has a deleterious effect on protein structure/function; Occurs in the triple helical domain at the Y position in the canonical Gly-X-Y repeat; although this variant may have an effect on normal protein folding and function, missense substitution at the Y position is not a common mechanism of disease (HGMD); This variant is associated with the following publications: (PMID: 29807018, 37076969)

Mayo Clinic Laboratories, Mayo Clinic
Classification: Uncertain significance. Last evaluated: 2019-10-14. Review status: criteria provided, single submitter. Criteria: ACMG Guidelines, 2015. Collection method: clinical testing. Allele origin: germline. Observed: 1 variant allele.

Literature cited by the submitters: PubMed 29807018 (cited by Labcorp Genetics (formerly Invitae), Labcorp and Women's Health and Genetics/Laboratory Corporation of America, LabCorp); PubMed 37076969 (cited by Labcorp Genetics (formerly Invitae), Labcorp and Women's Health and Genetics/Laboratory Corporation of America, LabCorp).